The following is an entry in ClinVar:

NM_001349206.2(LPIN1):c.1242G>A (p.Thr414=)

Gene: LPIN1 (lipin 1; plus strand). Cytogenetic location: 2p25.1.
Variant type: single nucleotide variant.
Coding change: c.1242G>A on transcript NM_001349206.2 (MANE Select); coding-DNA position 1242, G replaced by A.
Protein change: p.Thr414=; no amino-acid change (threonine 414 retained).
Molecular consequence: synonymous variant. On other transcripts: non-coding transcript variant (1).
Genome position (GRCh38, 1-based): chr2:11,782,485, G>A. VCF-style: chr2-11782485-G-A. GRCh37 (hg19) VCF-style: chr2-11922611-G-A.
Other names: c.1152G>A, p.Thr384= (NM_001261427.3); c.1389G>A, p.Thr463= (NM_001261428.3); c.1134G>A, p.Thr378= (NM_001349199.2, NM_001349200.2, NM_001349201.2 and 1 more transcripts); c.1239G>A, p.Thr413= (NM_001349202.2, NM_001349203.2); c.1242G>A, p.Thr414= (NM_001349204.2, NM_001349205.2); c.1332G>A, p.Thr444= (NM_001349207.2); c.1281G>A, p.Thr427= (NM_001349208.2).
Identifiers: ClinVar variation 894099 (VCV000894099.8), dbSNP rs370978470, ClinGen allele CA1533635.
Genomic context (GRCh38, chr2:11,782,485, plus strand): 5'-GCCCATGATCGAGGAGCTCAAACCCCCCTCTGCCAGTGTAGTCCAGACAGCAAACAAGAC[G>A]GATTCTCCTTCCAGGAAAAGAGGTACCAAGGCTGGGGCTTCCCGGCTCTTTTTCTGTTCA-3'
Protein context (NP_001336135.1, residues 404-424): SASVVQTANK[Thr414=]DSPSRKRDKR

ClinVar aggregate classification (germline): Benign/Likely benign. Review status: criteria provided, multiple submitters, no conflicts (2 of 4 stars). 2 submissions from 2 submitters: Benign (1); Likely benign (1). Last evaluated 2024-10-02.

Conditions:
Myoglobinuria, acute recurrent, autosomal recessive. Also called: Myoglobinuria, recurrent, autosomal recessive; MYOGLOBINURIA, FAMILIAL PAROXYSMAL PARALYTIC; RHABDOMYOLYSIS, ACUTE RECURRENT. Identifiers: Orphanet 99845, MedGen C1849386, MONDO:0009992, OMIM 268200.

Allele frequency attached by ClinVar (database versions not stated): gnomAD 0.00005 and 0.00007; gnomAD exomes 0.00012 and 0.00029; TOPMed 0.00017; ExAC 0.00035.
gnomAD v4.1: 194 of 1,614,068 alleles (0.012%); highest among the groups gnomAD compares: East Asian, 0.26%; no homozygotes.

Submissions (2):

Labcorp Genetics (formerly Invitae), Labcorp
Classification: Benign. Last evaluated: 2024-10-02. Review status: criteria provided, single submitter. Criteria: Invitae Variant Classification Sherloc (09022015). Collection method: clinical testing. Allele origin: germline.

Illumina Laboratory Services, Illumina
Classification: Likely benign for Myoglobinuria, acute recurrent, autosomal recessive. Last evaluated: 2018-01-13. Review status: criteria provided, single submitter. Criteria: ICSL Variant Classification Criteria 13 December 2019. Collection method: clinical testing. Allele origin: germline.
Comment: This variant was observed in the ICSL laboratory as part of a predisposition screen in an ostensibly healthy population. It had not been previously curated by ICSL or reported in the Human Gene Mutation Database (HGMD: prior to June 1st, 2018), and was therefore a candidate for classification through an automated scoring system. Utilizing variant allele frequency, disease prevalence and penetrance estimates, and inheritance mode, an automated score was calculated to assess if this variant is too frequent to cause the disease. Based on the score and internal cut-off values, a variant classified as likely benign is not then subjected to further curation. The score for this variant resulted in a classification of likely benign for this disease.